The following is an entry in ClinVar:

NM_031935.3(HMCN1):c.10861A>G (p.Asn3621Asp)

Gene: HMCN1 (hemicentin 1; plus strand). Cytogenetic location: 1q31.1.
Variant type: single nucleotide variant.
Coding change: c.10861A>G on transcript NM_031935.3 (MANE Select); coding-DNA position 10861, A replaced by G.
Protein change: p.Asn3621Asp; replaces asparagine 3621 with aspartic acid.
Molecular consequence: missense variant.
Genome position (GRCh38, 1-based): chr1:186,108,469, A>G. VCF-style: chr1-186108469-A-G. GRCh37 (hg19) VCF-style: chr1-186077601-A-G.
Other names: short protein forms N3621D.
Identifiers: ClinVar variation 4774609 (VCV004774609.1).

ClinVar aggregate classification (germline): Uncertain significance (1 of 4 stars; one submission).

gnomAD v4.1: 23 of 1,614,068 alleles (0.0014%); highest among the groups gnomAD compares: Non-Finnish European, 0.0019%; no homozygotes.

Submission:

Labcorp Genetics (formerly Invitae), Labcorp
Classification: Uncertain significance. Last evaluated: 2025-10-16. Review status: criteria provided, single submitter. Criteria: Invitae Variant Classification Sherloc (09022015). Collection method: clinical testing. Allele origin: germline.
Comment: This sequence change replaces asparagine, which is neutral and polar, with aspartic acid, which is acidic and polar, at codon 3621 of the HMCN1 protein (p.Asn3621Asp). This variant is not present in population databases (gnomAD no frequency). This variant has not been reported in the literature in individuals affected with HMCN1-related conditions. An algorithm developed to predict the effect of missense changes on protein structure and function (PolyPhen-2) suggests that this variant is likely to be disruptive. In summary, the available evidence is currently insufficient to determine the role of this variant in disease. Therefore, it has been classified as a Variant of Uncertain Significance.